The following is an entry in ClinVar:

NM_001291815.2(HMCN2):c.13109G>A (p.Arg4370Gln)

Gene: HMCN2 (hemicentin 2; plus strand). Cytogenetic location: 9q34.11.
Variant type: single nucleotide variant.
Coding change: c.13109G>A on transcript NM_001291815.2 (MANE Select); coding-DNA position 13109, G replaced by A.
Protein change: p.Arg4370Gln; replaces arginine 4370 with glutamine.
Molecular consequence: missense variant.
Genome position (GRCh38, 1-based): chr9:130,418,919, G>A. VCF-style: chr9-130418919-G-A. GRCh37 (hg19) VCF-style: chr9-133294306-G-A.
Other names: short protein forms R4370Q.
Identifiers: ClinVar variation 2659602 (VCV002659602.24), dbSNP rs529187161, ClinGen allele CA5282758.

ClinVar aggregate classification (germline): Likely benign (1 of 4 stars; one submission).

Allele frequency attached by ClinVar (database versions not stated): 1000 Genomes Project 0.00080; 1000 Genomes Project 30x 0.00109; ExAC 0.00205; TOPMed 0.00252; gnomAD 0.00293; gnomAD exomes 0.00347.
gnomAD v4.1: 5,255 of 1,548,144 alleles (0.34%); highest among the groups gnomAD compares: Non-Finnish European, 0.39%; 14 homozygotes.

Submission:

CeGaT Center for Human Genetics Tuebingen
Classification: Likely benign. Last evaluated: 2023-01-01. Review status: criteria provided, single submitter. Criteria: CeGaT Center For Human Genetics Tuebingen Variant Classification Criteria Version 2. Collection method: clinical testing. Allele origin: germline. Affected: yes. Observed: 3 variant alleles.
Comment: HMCN2: BP4, BS2